The following is an entry in ClinVar:

NM_016578.4(RSF1):c.3840G>A (p.Glu1280=)

Gene: RSF1 (remodeling and spacing factor 1; minus strand). Cytogenetic location: 11q14.1.
Variant type: single nucleotide variant.
Coding change: c.3840G>A on transcript NM_016578.4 (MANE Select); coding-DNA position 3840, G replaced by A.
Protein change: p.Glu1280=; no amino-acid change (glutamic acid 1280 retained).
Molecular consequence: synonymous variant.
Genome position (GRCh38, 1-based): chr11:77,667,403, C>T on the plus strand (G>A on the coding strand, the complement: RSF1 is on the minus strand). VCF-style: chr11-77667403-C-T. GRCh37 (hg19) VCF-style: chr11-77378448-C-T.
Identifiers: ClinVar variation 2642192 (VCV002642192.24), dbSNP rs11607608, ClinGen allele CA6200725.

ClinVar aggregate classification (germline): Likely benign (1 of 4 stars; one submission).

Allele frequency attached by ClinVar (database versions not stated): 1000 Genomes Project 30x 0.00297; 1000 Genomes Project 0.00359; TOPMed 0.00359; ESP Exome Variant Server 0.00470; gnomAD 0.00496; ExAC 0.00500.
gnomAD v4.1: 9,537 of 1,614,036 alleles (0.59%); highest among the groups gnomAD compares: Non-Finnish European, 0.61%; 48 homozygotes.

Submission:

CeGaT Center for Human Genetics Tuebingen
Classification: Likely benign. Last evaluated: 2022-03-01. Review status: criteria provided, single submitter. Criteria: CeGaT Center For Human Genetics Tuebingen Variant Classification Criteria Version 2. Collection method: clinical testing. Allele origin: germline. Affected: yes. Observed: 1 variant allele.
Comment: RSF1: BP4, BP7